The following is an entry in ClinVar:

ClinVar aggregate classification (germline): Uncertain significance. Review status: criteria provided, multiple submitters, no conflicts (2 of 4 stars). 3 submissions from 3 submitters: Uncertain significance (3). Last evaluated 2023-02-22.

Conditions:
Inborn genetic diseases. Identifiers: MedGen C0950123, MeSH D030342.
Familial focal epilepsy with variable foci (FPEVF). Identifiers: Orphanet 98820, MedGen C1858477, MONDO:0020310.

Allele frequency attached by ClinVar (database versions not stated): gnomAD exomes below 0.00001 and 0.00002; gnomAD 0.00001; TOPMed 0.00002.
gnomAD v4.1: 34 of 1,613,938 alleles (0.0021%); highest among the groups gnomAD compares: Non-Finnish European, 0.0028%; no homozygotes.

Submissions (3):

Labcorp Genetics (formerly Invitae), Labcorp
Classification: Uncertain significance for Familial focal epilepsy with variable foci. Last evaluated: 2023-02-22. Review status: criteria provided, single submitter. Criteria: Invitae Variant Classification Sherloc (09022015). Collection method: clinical testing. Allele origin: germline.
Comment: In summary, the available evidence is currently insufficient to determine the role of this variant in disease. Therefore, it has been classified as a Variant of Uncertain Significance. This sequence change replaces isoleucine, which is neutral and non-polar, with methionine, which is neutral and non-polar, at codon 423 of the DEPDC5 protein (p.Ile423Met). This variant is present in population databases (rs778795541, gnomAD 0.0009%). This variant has not been reported in the literature in individuals affected with DEPDC5-related conditions. ClinVar contains an entry for this variant (Variation ID: 579445). Experimental studies and prediction algorithms are not available or were not evaluated, and the functional significance of this variant is currently unknown.

Revvity Omics, Revvity
Classification: Uncertain significance. Last evaluated: 2020-12-25. Review status: criteria provided, single submitter. Criteria: ACMG Guidelines, 2015. Collection method: clinical testing. Allele origin: germline.

Ambry Genetics
Classification: Uncertain significance for Inborn genetic diseases. Last evaluated: 2020-03-12. Review status: criteria provided, single submitter. Criteria: Ambry Variant Classification Scheme 2023. Collection method: clinical testing. Allele origin: germline.
Comment: The p.I423M variant (also known as c.1269A>G), located in coding exon 17 of the DEPDC5 gene, results from an A to G substitution at nucleotide position 1269. The isoleucine at codon 423 is replaced by methionine, an amino acid with highly similar properties. This amino acid position is highly conserved in available vertebrate species. In addition, the in silico prediction for this alteration is inconclusive. Since supporting evidence is limited at this time, the clinical significance of this alteration remains unclear.

NM_001242896.3(DEPDC5):c.1269A>G (p.Ile423Met)

Gene: DEPDC5 (DEP domain containing 5, GATOR1 subcomplex subunit; plus strand). Cytogenetic location: 22q12.3.
Variant type: single nucleotide variant.
Coding change: c.1269A>G on transcript NM_001242896.3 (MANE Select); coding-DNA position 1269, A replaced by G.
Protein change: p.Ile423Met; replaces isoleucine 423 with methionine.
Molecular consequence: missense variant. On other transcripts: non-coding transcript variant (5).
Genome position (GRCh38, 1-based): chr22:31,806,173, A>G. VCF-style: chr22-31806173-A-G. GRCh37 (hg19) VCF-style: chr22-32202159-A-G.
Other names: c.1269A>G, p.Ile423Met (NM_001007188.4, NM_001136029.4, NM_001242897.2 and 7 more transcripts); c.1185A>G, p.Ile395Met (NM_001369901.1, NM_001369902.1); short protein forms I423M, I395M.
Identifiers: ClinVar variation 579445 (VCV000579445.16), dbSNP rs778795541, ClinGen allele CA323308525.